The following is an entry in ClinVar:

ClinVar aggregate classification (germline): Pathogenic. Review status: criteria provided, multiple submitters, no conflicts (2 of 4 stars). 2 submissions from 2 submitters: Pathogenic (2). Last evaluated 2024-01-01.

Conditions:
Mowat-Wilson syndrome (MOWS). Also called: Classic Mowat-Wilson Syndrome. Identifiers: Orphanet 2152, MedGen C1856113, MONDO:0009341, OMIM 235730.

Submissions (2):

Daryl Scott Lab, Baylor College of Medicine
Classification: Pathogenic for Mowat-Wilson syndrome. Last evaluated: 2024-01-01. Review status: criteria provided, single submitter. Criteria: ACMG Guidelines, 2015. Collection method: clinical testing. Allele origin: de novo. Affected: yes. Observed: 1 heterozygote.
Comment: PVS1, PS2

Baylor Genetics
Classification: Pathogenic for Mowat-Wilson syndrome. Last evaluated: 2017-09-01. Review status: criteria provided, single submitter. Criteria: ACMG Guidelines, 2015. Collection method: clinical testing. Allele origin: de novo. Inheritance: Autosomal dominant inheritance. Affected: yes.

Literature cited by the submitters: PubMed 25326635 (cited by Baylor Genetics).

NM_014795.4(ZEB2):c.502C>T (p.Gln168Ter)

Genes: ZEB2 (zinc finger E-box binding homeobox 2; minus strand), LOC111721705 (skeletal muscle cis-regulatory module overlapping ZEB2; plus strand). Cytogenetic location: 2q22.3.
Variant type: single nucleotide variant.
Coding change: c.502C>T on transcript NM_014795.4 (MANE Select); coding-DNA position 502, C replaced by T.
Protein change: p.Gln168Ter; replaces glutamine 168 with a stop codon.
Molecular consequence: nonsense.
Genome position (GRCh38, 1-based): chr2:144,404,926, G>A on the plus strand (C>T on the coding strand, the complement: ZEB2 is on the minus strand). VCF-style: chr2-144404926-G-A. GRCh37 (hg19) VCF-style: chr2-145162493-G-A.
Other names: c.430C>T, p.Gln144Ter (NM_001171653.2); short protein forms Q168*, Q144*.
Identifiers: ClinVar variation 561146 (VCV000561146.3), dbSNP rs1560609721, ClinGen allele CA348715265.
Genomic context (GRCh38, chr2:144,404,926, plus strand): 5'-TGCCAAGGCGAGACAGCTCCTCAGGGGCTTCTGGGTAAATAATGGCTGTGTCACTGCGCT[G>A]AAGGTACTCCTCGATGCTGACTGCATGACCATCGCGTTCCTCCAGTTTTCTTTTGGCAAA-3'